The following is an entry in ClinVar:

NM_005802.5(TOPORS):c.665C>T (p.Pro222Leu)

Gene: TOPORS (TOP1 binding arginine/serine rich protein, E3 ubiquitin ligase; minus strand). Cytogenetic location: 9p21.1.
Variant type: single nucleotide variant.
Coding change: c.665C>T on transcript NM_005802.5 (MANE Select); coding-DNA position 665, C replaced by T.
Protein change: p.Pro222Leu; replaces proline 222 with leucine.
Molecular consequence: missense variant.
Genome position (GRCh38, 1-based): chr9:32,543,860, G>A on the plus strand (C>T on the coding strand, the complement: TOPORS is on the minus strand). VCF-style: chr9-32543860-G-A. GRCh37 (hg19) VCF-style: chr9-32543858-G-A.
Other names: c.470C>T, p.Pro157Leu (NM_001195622.2); short protein forms P157L, P222L.
Identifiers: ClinVar variation 3609791 (VCV003609791.2).

ClinVar aggregate classification (germline): Uncertain significance (1 of 4 stars; one submission).

Submission:

Labcorp Genetics (formerly Invitae), Labcorp
Classification: Uncertain significance. Last evaluated: 2024-08-12. Review status: criteria provided, single submitter. Criteria: Invitae Variant Classification Sherloc (09022015). Collection method: clinical testing. Allele origin: germline.
Comment: This sequence change replaces proline, which is neutral and non-polar, with leucine, which is neutral and non-polar, at codon 222 of the TOPORS protein (p.Pro222Leu). This variant is not present in population databases (gnomAD no frequency). This variant has not been reported in the literature in individuals affected with TOPORS-related conditions. An algorithm developed to predict the effect of missense changes on protein structure and function (PolyPhen-2) suggests that this variant is likely to be tolerated. In summary, the available evidence is currently insufficient to determine the role of this variant in disease. Therefore, it has been classified as a Variant of Uncertain Significance.